The following is an entry in ClinVar:

ClinVar aggregate classification (germline): Uncertain significance. Review status: criteria provided, multiple submitters, no conflicts (2 of 4 stars). 5 submissions from 5 submitters: Uncertain significance (4). 1 of the submissions does not count toward it. Last evaluated 2026-04-02.

Conditions:
CDH23-related disorder. Also called: CDH23-related disorders; CDH23-related condition.
Inborn genetic diseases. Identifiers: MedGen C0950123, MeSH D030342.
Usher syndrome type 1 (USH1). Also called: RETINITIS PIGMENTOSA AND CONGENITAL DEAFNESS. Identifiers: Orphanet 231169, Orphanet 886, MedGen C1568247, MONDO:0010168, OMIM 276900.

Allele frequency attached by ClinVar (database versions not stated): ExAC 0.00001; gnomAD 0.00002; TOPMed 0.00002.
gnomAD v4.1: 25 of 1,613,654 alleles (0.0015%); highest among the groups gnomAD compares: Non-Finnish European, 0.0021%; no homozygotes.

Submissions (5):

PreventionGenetics, part of Exact Sciences
Classification: Uncertain significance for CDH23-related condition. Last evaluated: 2026-04-02. Review status: criteria provided, single submitter. Criteria: ACMG Guidelines, 2015. Collection method: clinical testing. Allele origin: germline.
Comment: The CDH23 c.5386C>A variant is predicted to result in the amino acid substitution p.Pro1796Thr. To our knowledge, this variant has not been reported in the literature. This variant is reported in 0.0035% of alleles in individuals of European (Non-Finnish) descent in gnomAD. At this time, the clinical significance of this variant is uncertain due to the absence of conclusive functional and genetic evidence.

Blueprint Genetics
Classification: Uncertain significance. Last evaluated: 2024-08-13. Review status: criteria provided, single submitter. Criteria: ACMG Guidelines, 2015. Collection method: clinical testing. Allele origin: germline.

Ambry Genetics
Classification: Uncertain significance for Inborn genetic diseases. Last evaluated: 2024-06-28. Review status: criteria provided, single submitter. Criteria: Ambry Variant Classification Scheme 2023. Collection method: clinical testing. Allele origin: germline.

Labcorp Genetics (formerly Invitae), Labcorp
Classification: Uncertain significance. Last evaluated: 2022-02-23. Review status: criteria provided, single submitter. Criteria: Invitae Variant Classification Sherloc (09022015). Collection method: clinical testing. Allele origin: germline.
Comment: This sequence change replaces proline, which is neutral and non-polar, with threonine, which is neutral and polar, at codon 1796 of the CDH23 protein (p.Pro1796Thr). This variant is present in population databases (rs776996577, gnomAD 0.004%). This variant has not been reported in the literature in individuals affected with CDH23-related conditions. ClinVar contains an entry for this variant (Variation ID: 968183). Algorithms developed to predict the effect of missense changes on protein structure and function are either unavailable or do not agree on the potential impact of this missense change (SIFT: "Deleterious"; PolyPhen-2: "Not Available"; Align-GVGD: "Class C0"). In summary, the available evidence is currently insufficient to determine the role of this variant in disease. Therefore, it has been classified as a Variant of Uncertain Significance.

Natera, Inc.
Classification: Uncertain significance for Usher syndrome type 1. Last evaluated: 2020-09-16. Review status: no assertion criteria provided. Collection method: clinical testing. Allele origin: germline. Not counted in ClinVar's aggregate classification.

NM_022124.6(CDH23):c.5386C>A (p.Pro1796Thr)

Gene: CDH23 (cadherin related 23; plus strand). Cytogenetic location: 10q22.1.
Variant type: single nucleotide variant.
Coding change: c.5386C>A on transcript NM_022124.6 (MANE Select); coding-DNA position 5386, C replaced by A.
Protein change: p.Pro1796Thr; replaces proline 1796 with threonine.
Molecular consequence: missense variant.
Genome position (GRCh38, 1-based): chr10:71,784,304, C>A. VCF-style: chr10-71784304-C-A. GRCh37 (hg19) VCF-style: chr10-73544061-C-A.
Other names: short protein forms P1796T.
Identifiers: ClinVar variation 968183 (VCV000968183.8), dbSNP rs776996577, ClinGen allele CA5545738.